The following is an entry in ClinVar:

NM_170665.4(ATP2A2):c.2380G>T (p.Val794Phe)

Gene: ATP2A2 (ATPase sarcoplasmic/endoplasmic reticulum Ca2+ transporting 2; plus strand). Cytogenetic location: 12q24.11.
Variant type: single nucleotide variant.
Coding change: c.2380G>T on transcript NM_170665.4 (MANE Select); coding-DNA position 2380, G replaced by T.
Protein change: p.Val794Phe; replaces valine 794 with phenylalanine.
Molecular consequence: missense variant.
Genome position (GRCh38, 1-based): chr12:110,343,293, G>T. VCF-style: chr12-110343293-G-T. GRCh37 (hg19) VCF-style: chr12-110781098-G-T.
Other names: c.2275G>T, p.Val759Phe (NM_001413013.1); c.2380G>T, p.Val794Phe (NM_001413014.1, NM_001681.4); c.2005G>T, p.Val669Phe (NM_001413015.1); short protein forms V669F, V759F, V794F.
Identifiers: ClinVar variation 4743694 (VCV004743694.1).
Genomic context (GRCh38, chr12:110,343,293, plus strand): 5'-ATTTTCCTGACAGCAGCCCTTGGATTTCCCGAGGCTTTGATTCCTGTTCAGCTGCTCTGG[G>T]TCAATCTGGTGACAGATGGCCTGCCTGCCACTGCACTGGGGTTCAACCCTCCTGATCTGG-3'
Protein context (NP_733765.1, residues 784-804): EALIPVQLLW[Val794Phe]NLVTDGLPAT

ClinVar aggregate classification (germline): Uncertain significance (1 of 4 stars; one submission).

Submission:

Labcorp Genetics (formerly Invitae), Labcorp
Classification: Uncertain significance. Last evaluated: 2025-10-17. Review status: criteria provided, single submitter. Criteria: Invitae Variant Classification Sherloc (09022015). Collection method: clinical testing. Allele origin: germline.
Comment: This sequence change replaces valine, which is neutral and non-polar, with phenylalanine, which is neutral and non-polar, at codon 794 of the ATP2A2 protein (p.Val794Phe). This variant is not present in population databases (gnomAD no frequency). This variant has not been reported in the literature in individuals affected with ATP2A2-related conditions. Invitae Evidence Modeling of protein sequence and biophysical properties (such as structural, functional, and spatial information, amino acid conservation, physicochemical variation, residue mobility, and thermodynamic stability) indicates that this missense variant is expected to disrupt ATP2A2 protein function with a positive predictive value of 80%. In summary, the available evidence is currently insufficient to determine the role of this variant in disease. Therefore, it has been classified as a Variant of Uncertain Significance.